The following is an entry in ClinVar:

NM_001171.6(ABCC6):c.1258C>G (p.Leu420Val)

Gene: ABCC6 (ATP binding cassette subfamily C member 6; minus strand). Cytogenetic location: 16p13.11.
Variant type: single nucleotide variant.
Coding change: c.1258C>G on transcript NM_001171.6 (MANE Select); coding-DNA position 1258, C replaced by G.
Protein change: p.Leu420Val; replaces leucine 420 with valine.
Molecular consequence: missense variant. On other transcripts: non-coding transcript variant (1).
Genome position (GRCh38, 1-based): chr16:16,198,101, G>C on the plus strand (C>G on the coding strand, the complement: ABCC6 is on the minus strand). VCF-style: chr16-16198101-G-C. GRCh37 (hg19) VCF-style: chr16-16291958-G-C.
Other names: c.916C>G, p.Leu306Val (NM_001351800.1); short protein forms L420V, L306V.
Identifiers: ClinVar variation 433249 (VCV000433249.16), dbSNP rs746428588, ClinGen allele CA7926389.
Genomic context (GRCh38, chr16:16,198,101, plus strand): 5'-AGACCACGATCCAGACGAGAGGCAGCCACAGCCCGTTGAGGTAGAGGACGCTCTCGGTCA[G>C]CCGCTGCACGTCCACGGACACCAGATTGACCACATCACCCACCGCACTGGCCTTTCTGGA-3'
Protein context (NP_001162.5, residues 410-430): VNLVSVDVQR[Leu420Val]TESVLYLNGL

ClinVar aggregate classification (germline): Uncertain significance. Review status: criteria provided, multiple submitters, no conflicts (2 of 4 stars). 5 submissions from 5 submitters: Uncertain significance (4). 1 of the submissions does not count toward it. Last evaluated 2026-01-07.

Conditions:
ABCC6-related disorder. Also called: ABCC6-related condition.
Arterial calcification, generalized, of infancy, 2. Identifiers: Orphanet 51608, MedGen C3276161, MONDO:0013768, OMIM 614473.
Autosomal recessive inherited pseudoxanthoma elasticum (PXE). Identifiers: Orphanet 758, MedGen CN032334, MONDO:0009925, OMIM 264800.
Pseudoxanthoma elasticum, forme fruste. Also called: Pseudoxanthoma Elasticum, Incomplete; PSEUDOXANTHOMA ELASTICUM, HETEROZYGOUS. Identifiers: Orphanet 758, MedGen C1867450, MONDO:0008333, OMIM 177850.

Allele frequency attached by ClinVar (database versions not stated): gnomAD 0.00001 and 0.00002; gnomAD exomes 0.00002 and 0.00009; TOPMed 0.00002; ExAC 0.00003.
gnomAD v4.1: 134 of 1,613,522 alleles (0.0083%); highest among the groups gnomAD compares: Non-Finnish European, 0.011%; no homozygotes.

Submissions (5):

Labcorp Genetics (formerly Invitae), Labcorp
Classification: Uncertain significance. Last evaluated: 2026-01-07. Review status: criteria provided, single submitter. Criteria: Invitae Variant Classification Sherloc (09022015). Collection method: clinical testing. Allele origin: germline.
Comment: This sequence change replaces leucine, which is neutral and non-polar, with valine, which is neutral and non-polar, at codon 420 of the ABCC6 protein (p.Leu420Val). This variant is present in population databases (rs746428588, gnomAD 0.005%). This missense change has been observed in individual(s) with pseudoxanthoma elasticum (PMID: 32873932). ClinVar contains an entry for this variant (Variation ID: 433249). Invitae Evidence Modeling of protein sequence and biophysical properties (such as structural, functional, and spatial information, amino acid conservation, physicochemical variation, residue mobility, and thermodynamic stability) indicates that this missense variant is not expected to disrupt ABCC6 protein function with a negative predictive value of 80%. Experimental studies have shown that this missense change does not substantially affect ABCC6 function (PMID: 34597610). In summary, the available evidence is currently insufficient to determine the role of this variant in disease. Therefore, it has been classified as a Variant of Uncertain Significance.

PreventionGenetics, part of Exact Sciences
Classification: Uncertain significance for ABCC6-related condition. Last evaluated: 2025-12-24. Review status: criteria provided, single submitter. Criteria: ACMG Guidelines, 2015. Collection method: clinical testing. Allele origin: germline.
Comment: The ABCC6 c.1258C>G variant is predicted to result in the amino acid substitution p.Leu420Val. This variant has been reported in individuals with pseudoxanthoma elasticum, many of whom harbored multiple ABCC6 candidate variants (Table S1, Saeidian et al. 2022. PubMed ID: 34906475). It is frequently observed along with the ABCC6 c.1199C>T (p.Ser400Phe) variant (Table S1, Saeidian et al. 2022. PubMed ID: 34906475). Experimental studies using a mouse model suggest this variant does not impact plasma inorganic pyrophosphate levels (Table 1, Kowal et al. 2022. PubMed ID: 34597610). This variant is reported in 0.0055% of alleles in individuals of European (Non-Finnish) descent in gnomAD. At this time, the clinical significance of this variant is uncertain due to the absence of conclusive functional and genetic evidence.

Fulgent Genetics
Classification: Uncertain significance for Pseudoxanthoma elasticum, forme fruste; Autosomal recessive inherited pseudoxanthoma elasticum; Arterial calcification, generalized, of infancy, 2. Last evaluated: 2024-05-10. Review status: criteria provided, single submitter. Criteria: ACMG Guidelines, 2015. Collection method: clinical testing. Allele origin: germline.

Blueprint Genetics
Classification: Uncertain significance. Last evaluated: 2023-12-13. Review status: criteria provided, single submitter. Criteria: ACMG Guidelines, 2015. Collection method: clinical testing. Allele origin: germline.

PXE International
Classification: Benign for Autosomal recessive inherited pseudoxanthoma elasticum. Last evaluated: 2021-10-05. Review status: no assertion criteria provided. Collection method: research. Allele origin: germline. Inheritance: Autosomal recessive inheritance. Affected: yes. Observed: 2 variant alleles. Not counted in ClinVar's aggregate classification.

Literature cited by the submitters: PubMed 32873932 (cited by Labcorp Genetics (formerly Invitae), Labcorp and PXE International); PubMed 34597610 (cited by Labcorp Genetics (formerly Invitae), Labcorp and PXE International).